The following is an entry in ClinVar:

NM_001943.5(DSG2):c.2729G>T (p.Arg910Ile)

Genes: DSG2 (desmoglein 2; plus strand), DSG2-AS1 (DSG2 antisense RNA 1; minus strand). Cytogenetic location: 18q12.1.
Variant type: single nucleotide variant.
Coding change: c.2729G>T on transcript NM_001943.5 (MANE Select); coding-DNA position 2729, G replaced by T.
Protein change: p.Arg910Ile; replaces arginine 910 with isoleucine.
Molecular consequence: missense variant.
Genome position (GRCh38, 1-based): chr18:31,546,115, G>T. VCF-style: chr18-31546115-G-T. GRCh37 (hg19) VCF-style: chr18-29126078-G-T.
Other names: short protein forms R910I.
Identifiers: ClinVar variation 1450859 (VCV001450859.8), dbSNP rs778488673, ClinGen allele CA047022.

ClinVar aggregate classification (germline): Uncertain significance (1 of 4 stars; one submission).

Conditions:
Arrhythmogenic right ventricular dysplasia 10. Also called: Arrhythmogenic Right Ventricular Dysplasia/Cardiomyopathy10; Arrhythmogenic right ventricular dysplasia/cardiomyopathy, type 10; ARRHYTHMOGENIC RIGHT VENTRICULAR DYSPLASIA, FAMILIAL, 10. Identifiers: MedGen C1857777, MONDO:0012434, OMIM 610193.

Allele frequency attached by ClinVar (database versions not stated): gnomAD exomes below 0.00001; ExAC 0.00001; gnomAD 0.00001; TOPMed 0.00001.
gnomAD v4.1: 3 of 1,614,068 alleles (0.00019%); highest among the groups gnomAD compares: African/African-American, 0.004%; no homozygotes.

Submission:

Labcorp Genetics (formerly Invitae), Labcorp
Classification: Uncertain significance for Arrhythmogenic right ventricular dysplasia 10. Last evaluated: 2024-12-06. Review status: criteria provided, single submitter. Criteria: Invitae Variant Classification Sherloc (09022015). Collection method: clinical testing. Allele origin: germline.
Comment: This sequence change replaces arginine, which is basic and polar, with isoleucine, which is neutral and non-polar, at codon 910 of the DSG2 protein (p.Arg910Ile). This variant is present in population databases (rs778488673, gnomAD 0.007%). This variant has not been reported in the literature in individuals affected with DSG2-related conditions. ClinVar contains an entry for this variant (Variation ID: 1450859). Invitae Evidence Modeling of protein sequence and biophysical properties (such as structural, functional, and spatial information, amino acid conservation, physicochemical variation, residue mobility, and thermodynamic stability) indicates that this missense variant is not expected to disrupt DSG2 protein function with a negative predictive value of 95%. In summary, the available evidence is currently insufficient to determine the role of this variant in disease. Therefore, it has been classified as a Variant of Uncertain Significance.